The following is an entry in ClinVar:

NM_021625.5(TRPV4):c.2604C>T (p.Asp868=)

Gene: TRPV4 (transient receptor potential cation channel subfamily V member 4; minus strand). Cytogenetic location: 12q24.11.
Variant type: single nucleotide variant.
Coding change: c.2604C>T on transcript NM_021625.5 (MANE Select); coding-DNA position 2604, C replaced by T.
Protein change: p.Asp868=; no amino-acid change (aspartic acid 868 retained).
Molecular consequence: synonymous variant.
Genome position (GRCh38, 1-based): chr12:109,783,633, G>A on the plus strand (C>T on the coding strand, the complement: TRPV4 is on the minus strand). VCF-style: chr12-109783633-G-A. GRCh37 (hg19) VCF-style: chr12-110221438-G-A.
Other names: c.2463C>T, p.Asp821= (NM_001177428.2); c.2502C>T, p.Asp834= (NM_001177431.2); c.2283C>T, p.Asp761= (NM_001177433.2); c.2424C>T, p.Asp808= (NM_147204.3).
Identifiers: ClinVar variation 390789 (VCV000390789.11), dbSNP rs111598467, ClinGen allele CA6779848.

ClinVar aggregate classification (germline): Likely benign. Review status: criteria provided, multiple submitters, no conflicts (2 of 4 stars). 3 submissions from 3 submitters: Likely benign (3). Last evaluated 2025-06-27.

Conditions:
Inborn genetic diseases. Identifiers: MedGen C0950123, MeSH D030342.
Charcot-Marie-Tooth disease axonal type 2C (HMSN2C). Also called: CHARCOT-MARIE-TOOTH DISEASE, AXONAL, AUTOSOMAL DOMINANT, TYPE 2C; Charcot-Marie-Tooth Neuropathy Type 2C; Charcot-Marie-Tooth Disease Type 2, TRPV4-Related (CMT2C). Identifiers: Orphanet 99937, MedGen C1853710, MONDO:0011633, OMIM 606071.

Allele frequency attached by ClinVar (database versions not stated): gnomAD exomes 0.00002; ExAC 0.00003; gnomAD 0.00003; TOPMed 0.00003; ESP Exome Variant Server 0.00008.
gnomAD v4.1: 29 of 1,613,566 alleles (0.0018%); highest among the groups gnomAD compares: South Asian, 0.0044%; no homozygotes.

Submissions (3):

Labcorp Genetics (formerly Invitae), Labcorp
Classification: Likely benign for Charcot-Marie-Tooth disease axonal type 2C. Last evaluated: 2025-06-27. Review status: criteria provided, single submitter. Criteria: Invitae Variant Classification Sherloc (09022015). Collection method: clinical testing. Allele origin: germline.

Ambry Genetics
Classification: Likely benign for Inborn genetic diseases. Last evaluated: 2019-07-11. Review status: criteria provided, single submitter. Criteria: Ambry Variant Classification Scheme 2023. Collection method: clinical testing. Allele origin: germline.

GeneDx
Classification: Likely benign. Last evaluated: 2016-11-17. Review status: criteria provided, single submitter. Criteria: GeneDx Variant Classification (06012015). Collection method: clinical testing. Allele origin: germline. Affected: yes.
Comment: This variant is considered likely benign or benign based on one or more of the following criteria: it is a conservative change, it occurs at a poorly conserved position in the protein, it is predicted to be benign by multiple in silico algorithms, and/or has population frequency not consistent with disease.